The following is an entry in ClinVar:

ClinVar aggregate classification (germline): Pathogenic (1 of 4 stars; one submission).

Conditions:
Autosomal recessive ataxia due to ubiquinone deficiency. Also called: Coenzyme Q10 deficiency, primary, 4; SPINOCEREBELLAR ATAXIA, AUTOSOMAL RECESSIVE 9. Identifiers: Orphanet 139485, MedGen C2677589, MONDO:0012784, OMIM 612016.

Allele frequency attached by ClinVar (database versions not stated): TOPMed below 0.00001; ExAC 0.00001; gnomAD 0.00001; gnomAD exomes 0.00001.

Submission:

Victorian Clinical Genetics Services, Murdoch Childrens Research Institute
Classification: Pathogenic for Autosomal recessive ataxia due to ubiquinone deficiency. Last evaluated: 2025-06-17. Review status: criteria provided, single submitter. Criteria: ACMG Guidelines, 2015. Collection method: clinical testing. Allele origin: germline. Affected: yes.
Comment: This variant is classified as Pathogenic. Evidence in support of pathogenic classification: Variant is predicted to cause nonsense-mediated decay (NMD) and loss of protein (premature termination codon is located at least 54 nucleotides upstream of the final exon-exon junction); Variant is present in gnomAD (v2) <0.01 for a recessive condition (2 heterozygotes, 0 homozygotes); Other NMD predicted variants comparable to the one identified in this case have very strong previous evidence for pathogenicity (DECIPHER). Additional information: This variant is heterozygous; This gene is associated with autosomal recessive disease; This variant has no previous evidence of pathogenicity; No published segregation evidence has been identified for this variant; No published functional evidence has been identified for this variant; Loss of function is a known mechanism of disease in this gene and is associated with coenzyme Q10 deficiency, primary, 4 (MIM#612016); Variants in this gene are known to have variable expressivity (OMIM).

NM_020247.5(COQ8A):c.210del (p.Asn71fs)

Gene: COQ8A (coenzyme Q8A; plus strand). Cytogenetic location: 1q42.13.
Variant type: Deletion.
Coding change: c.210del on transcript NM_020247.5 (MANE Select); coding-DNA position 210, one base deleted (G; older notation c.210delG).
Protein change: p.Asn71fs; shifts the reading frame from asparagine 71.
Molecular consequence: frameshift variant.
Genome position (GRCh38, 1-based): chr1:226,965,032, G deleted. VCF-style (leftmost placement, unchanged base first): chr1-226965031-AG-A. GRCh37 (hg19) VCF-style: chr1-227152732-AG-A.
Other names: short protein forms N71fs.
Identifiers: ClinVar variation 3254972 (VCV003254972.4), dbSNP rs752417487.